The following is an entry in ClinVar:

NM_012268.4(PLD3):c.734C>T (p.Thr245Ile)

Gene: PLD3 (phospholipase D family member 3; plus strand). Cytogenetic location: 19q13.2.
Variant type: single nucleotide variant.
Coding change: c.734C>T on transcript NM_012268.4 (MANE Select); coding-DNA position 734, C replaced by T.
Protein change: p.Thr245Ile; replaces threonine 245 with isoleucine.
Molecular consequence: missense variant.
Genome position (GRCh38, 1-based): chr19:40,371,728, C>T. VCF-style: chr19-40371728-C-T. GRCh37 (hg19) VCF-style: chr19-40877635-C-T.
Other names: c.734C>T, p.Thr245Ile (NM_001031696.4, NM_001291311.2); short protein forms T245I.
Identifiers: ClinVar variation 2821320 (VCV002821320.3), dbSNP rs2514760749, ClinGen allele CA405871676.

ClinVar aggregate classification (germline): Uncertain significance (1 of 4 stars; one submission).

gnomAD v4.1: 2 of 1,613,954 alleles (0.00012%); highest among the groups gnomAD compares: Non-Finnish European, 0.00017%; no homozygotes.

Submission:

Labcorp Genetics (formerly Invitae), Labcorp
Classification: Uncertain significance. Last evaluated: 2022-12-16. Review status: criteria provided, single submitter. Criteria: Invitae Variant Classification Sherloc (09022015). Collection method: clinical testing. Allele origin: germline.
Comment: This sequence change replaces threonine, which is neutral and polar, with isoleucine, which is neutral and non-polar, at codon 245 of the PLD3 protein (p.Thr245Ile). This variant is not present in population databases (gnomAD no frequency). This variant has not been reported in the literature in individuals affected with PLD3-related conditions. Algorithms developed to predict the effect of missense changes on protein structure and function (SIFT, PolyPhen-2, Align-GVGD) all suggest that this variant is likely to be tolerated. In summary, the available evidence is currently insufficient to determine the role of this variant in disease. Therefore, it has been classified as a Variant of Uncertain Significance.